The following is an entry in ClinVar:

ClinVar aggregate classification (germline): Benign. Review status: criteria provided, multiple submitters, no conflicts (2 of 4 stars). 2 submissions from 2 submitters: Benign (2). Last evaluated 2018-06-18.

Allele frequency attached by ClinVar (database versions not stated): 1000 Genomes Project 0.33347; 1000 Genomes Project 30x 0.34697; gnomAD 0.40511 and 0.42378; TOPMed 0.41197.
gnomAD v4.1: 61,198 of 151,742 alleles (40%); highest among the groups gnomAD compares: African/African-American, 72%; 15,569 homozygotes.

Submissions (2):

GeneDx
Classification: Benign. Last evaluated: 2018-06-18. Review status: criteria provided, single submitter. Criteria: GeneDx Variant Classification (06012015). Collection method: clinical testing. Allele origin: germline. Affected: yes.
Comment: This variant is considered likely benign or benign based on one or more of the following criteria: it is a conservative change, it occurs at a poorly conserved position in the protein, it is predicted to be benign by multiple in silico algorithms, and/or has population frequency not consistent with disease.

Breakthrough Genomics
Classification: Benign. Review status: criteria provided, single submitter. Criteria: ACMG Guidelines, 2015. Collection method: not provided. Allele origin: germline. Inheritance: Autosomal dominant inheritance. Affected: yes.

NM_033118.4(MYLK2):c.1711-296T>G

Gene: MYLK2 (myosin light chain kinase 2; plus strand). Cytogenetic location: 20q11.21.
Variant type: single nucleotide variant.
Coding change: c.1711-296T>G on transcript NM_033118.4 (MANE Select); 296 bases into the intron before coding-DNA position 1711, T replaced by G.
Molecular consequence: intron variant.
Genome position (GRCh38, 1-based): chr20:31,833,421, T>G. VCF-style: chr20-31833421-T-G. GRCh37 (hg19) VCF-style: chr20-30421224-T-G.
Identifiers: ClinVar variation 683644 (VCV000683644.2), dbSNP rs6087783, ClinGen allele CA14819113.